The following is an entry in ClinVar:

NM_001378477.3(NYX):c.1411T>A (p.Phe471Ile)

Gene: NYX (nyctalopin; plus strand). Cytogenetic location: Xp11.4.
Variant type: single nucleotide variant.
Coding change: c.1411T>A on transcript NM_001378477.3 (MANE Select); coding-DNA position 1411, T replaced by A.
Protein change: p.Phe471Ile; replaces phenylalanine 471 with isoleucine.
Molecular consequence: missense variant.
Genome position (GRCh38, 1-based): chrX:41,474,879, T>A. VCF-style: chrX-41474879-T-A. GRCh37 (hg19) VCF-style: chrX-41334132-T-A.
Other names: c.1411T>A, p.Phe471Ile (NM_022567.3); short protein forms F471I.
Identifiers: ClinVar variation 2706784 (VCV002706784.3), dbSNP rs2519609367, ClinGen allele CA412993872.

ClinVar aggregate classification (germline): Uncertain significance (1 of 4 stars; one submission).

Submission:

Labcorp Genetics (formerly Invitae), Labcorp
Classification: Uncertain significance. Last evaluated: 2023-06-09. Review status: criteria provided, single submitter. Criteria: Invitae Variant Classification Sherloc (09022015). Collection method: clinical testing. Allele origin: germline.
Comment: In summary, the available evidence is currently insufficient to determine the role of this variant in disease. Therefore, it has been classified as a Variant of Uncertain Significance. An algorithm developed to predict the effect of missense changes on protein structure and function (PolyPhen-2) suggests that this variant is likely to be tolerated. This variant has not been reported in the literature in individuals affected with NYX-related conditions. This variant is not present in population databases (gnomAD no frequency). This sequence change replaces phenylalanine, which is neutral and non-polar, with isoleucine, which is neutral and non-polar, at codon 476 of the NYX protein (p.Phe476Ile).